The following is an entry in ClinVar:

NM_001142800.2(EYS):c.5786del (p.Asn1928_Leu1929insTer)

Gene: EYS (EGF-like photoreceptor maintenance factor; minus strand). Cytogenetic location: 6q12.
Variant type: Deletion.
Coding change: c.5786del on transcript NM_001142800.2 (MANE Select); coding-DNA position 5786, one base deleted (T; older notation c.5786delT).
Protein change: p.Asn1928_Leu1929insTer.
Molecular consequence: nonsense.
Genome position (GRCh38, 1-based): chr6:64,439,211, A deleted on the plus strand (T on the coding strand, the reverse complement: EYS is on the minus strand); the first of 3 consecutive A bases (chr6:64,439,211-64,439,213); deleting any one gives the same sequence. VCF-style (leftmost placement, unchanged base first): chr6-64439210-TA-T. GRCh37 (hg19) VCF-style: chr6-65149103-TA-T.
Other names: c.5786del, p.Asn1928_Leu1929insTer (NM_001292009.2).
Identifiers: ClinVar variation 1460176 (VCV001460176.7), dbSNP rs2150466350, ClinGen allele CA2573141002.

ClinVar aggregate classification (germline): Pathogenic/Likely pathogenic. Review status: criteria provided, multiple submitters, no conflicts (2 of 4 stars). 2 submissions from 2 submitters: Pathogenic (1); Likely pathogenic (1). Last evaluated 2022-07-06.

Conditions:
Retinitis pigmentosa 25 (RP25). Identifiers: Orphanet 791, MedGen C1864446, MONDO:0011272, OMIM 602772.

Submissions (2):

Labcorp Genetics (formerly Invitae), Labcorp
Classification: Pathogenic. Last evaluated: 2022-07-06. Review status: criteria provided, single submitter. Criteria: Invitae Variant Classification Sherloc (09022015). Collection method: clinical testing. Allele origin: germline.
Comment: ClinVar contains an entry for this variant (Variation ID: 1460176). This variant has not been reported in the literature in individuals affected with EYS-related conditions. This variant is not present in population databases (gnomAD no frequency). This sequence change creates a premature translational stop signal (p.Leu1929*) in the EYS gene. It is expected to result in an absent or disrupted protein product. Loss-of-function variants in EYS are known to be pathogenic (PMID: 18836446, 20333770). For these reasons, this variant has been classified as Pathogenic.

Baylor Genetics
Classification: Likely pathogenic for Retinitis pigmentosa 25. Last evaluated: 2021-12-06. Review status: criteria provided, single submitter. Criteria: ACMG Guidelines, 2015. Collection method: clinical testing. Allele origin: unknown.

Literature cited by the submitters: PubMed 18836446 (cited by Labcorp Genetics (formerly Invitae), Labcorp); PubMed 20333770 (cited by Labcorp Genetics (formerly Invitae), Labcorp).